The following is an entry in ClinVar:

ClinVar aggregate classification (germline): Uncertain significance (1 of 4 stars; one submission).

gnomAD v4.1: 5 of 1,348,920 alleles (0.00037%); highest among the groups gnomAD compares: African/African-American, 0.0015%; no homozygotes.

Submission:

Labcorp Genetics (formerly Invitae), Labcorp
Classification: Uncertain significance. Last evaluated: 2025-12-22. Review status: criteria provided, single submitter. Criteria: Invitae Variant Classification Sherloc (09022015). Collection method: clinical testing. Allele origin: germline.
Comment: This sequence change replaces alanine, which is neutral and non-polar, with threonine, which is neutral and polar, at codon 339 of the ARID1A protein (p.Ala339Thr). This variant is not present in population databases (gnomAD no frequency). This variant has not been reported in the literature in individuals affected with ARID1A-related conditions. Invitae Evidence Modeling of protein sequence and biophysical properties (such as structural, functional, and spatial information, amino acid conservation, physicochemical variation, residue mobility, and thermodynamic stability) indicates that this missense variant is not expected to disrupt ARID1A protein function with a negative predictive value of 95%. In summary, the available evidence is currently insufficient to determine the role of this variant in disease. Therefore, it has been classified as a Variant of Uncertain Significance.

NM_006015.6(ARID1A):c.1015G>A (p.Ala339Thr)

Genes: ARID1A (AT-rich interaction domain 1A; plus strand), LOC129929837 (ATAC-STARR-seq lymphoblastoid silent region 489; plus strand). Cytogenetic location: 1p36.11.
Variant type: single nucleotide variant.
Coding change: c.1015G>A on transcript NM_006015.6 (MANE Select); coding-DNA position 1015, G replaced by A.
Protein change: p.Ala339Thr; replaces alanine 339 with threonine.
Molecular consequence: missense variant.
Genome position (GRCh38, 1-based): chr1:26,697,418, G>A. VCF-style: chr1-26697418-G-A. GRCh37 (hg19) VCF-style: chr1-27023909-G-A.
Other names: c.1015G>A, p.Ala339Thr (NM_139135.4); short protein forms A339T.
Identifiers: ClinVar variation 4704652 (VCV004704652.1).